The following is an entry in ClinVar:

NM_000465.4(BARD1):c.1851C>T (p.Thr617=)

Gene: BARD1 (BRCA1 associated RING domain 1; minus strand). Cytogenetic location: 2q35.
Variant type: single nucleotide variant.
Coding change: c.1851C>T on transcript NM_000465.4 (MANE Select); coding-DNA position 1851, C replaced by T.
Protein change: p.Thr617=; no amino-acid change (threonine 617 retained).
Molecular consequence: synonymous variant. On other transcripts: non-coding transcript variant (3), intron variant (1).
Genome position (GRCh38, 1-based): chr2:214,745,119, G>A on the plus strand (C>T on the coding strand, the complement: BARD1 is on the minus strand). VCF-style: chr2-214745119-G-A. GRCh37 (hg19) VCF-style: chr2-215609843-G-A.
Other names: c.1794C>T, p.Thr598= (NM_001282543.2); c.498C>T, p.Thr166= (NM_001282545.2); c.441C>T, p.Thr147= (NM_001282548.2); c.365-14611C>T (NM_001282549.2).
Identifiers: ClinVar variation 3378730 (VCV003378730.1).

ClinVar aggregate classification (germline): Benign (1 of 4 stars; one submission).

Conditions:
Familial cancer of breast. Also called: hereditary breast carcinoma; Hereditary breast cancer; BREAST CANCER, FAMILIAL. Identifiers: Orphanet 227535, MedGen C0346153, MONDO:0016419, OMIM 114480. Disease mechanism: loss of function.

Submission:

Myriad Genetics, Inc.
Classification: Benign for Familial cancer of breast. Last evaluated: 2024-07-26. Review status: criteria provided, single submitter. Criteria: Myriad Autosomal Dominant, Autosomal Recessive and X-Linked Classification Criteria (2023). Collection method: clinical testing. Allele origin: unknown.
Comment: This variant is considered benign. This variant is a silent/synonymous amino acid change and it is not expected to impact splicing.